The following is an entry in ClinVar:

ClinVar aggregate classification (germline): Uncertain significance (1 of 4 stars; one submission).

gnomAD v4.1: 4 of 1,614,100 alleles (0.00025%); highest among the groups gnomAD compares: African/African-American, 0.0053%; no homozygotes.

Submission:

Labcorp Genetics (formerly Invitae), Labcorp
Classification: Uncertain significance. Last evaluated: 2024-03-27. Review status: criteria provided, single submitter. Criteria: Invitae Variant Classification Sherloc (09022015). Collection method: clinical testing. Allele origin: germline.
Comment: This sequence change replaces glycine, which is neutral and non-polar, with valine, which is neutral and non-polar, at codon 492 of the KLHL9 protein (p.Gly492Val). This variant is not present in population databases (gnomAD no frequency). This variant has not been reported in the literature in individuals affected with KLHL9-related conditions. Advanced modeling of protein sequence and biophysical properties (such as structural, functional, and spatial information, amino acid conservation, physicochemical variation, residue mobility, and thermodynamic stability) performed at Invitae indicates that this missense variant is not expected to disrupt KLHL9 protein function with a negative predictive value of 80%. In summary, the available evidence is currently insufficient to determine the role of this variant in disease. Therefore, it has been classified as a Variant of Uncertain Significance.

NM_018847.4(KLHL9):c.1475G>T (p.Gly492Val)

Gene: KLHL9 (kelch like family member 9; minus strand). Cytogenetic location: 9p21.3.
Variant type: single nucleotide variant.
Coding change: c.1475G>T on transcript NM_018847.4 (MANE Select); coding-DNA position 1475, G replaced by T.
Protein change: p.Gly492Val; replaces glycine 492 with valine.
Molecular consequence: missense variant.
Genome position (GRCh38, 1-based): chr9:21,333,385, C>A on the plus strand (G>T on the coding strand, the complement: KLHL9 is on the minus strand). VCF-style: chr9-21333385-C-A. GRCh37 (hg19) VCF-style: chr9-21333384-C-A.
Other names: short protein forms G492V.
Identifiers: ClinVar variation 3605215 (VCV003605215.2).